The following is an entry in ClinVar:

ClinVar aggregate classification (germline): Uncertain significance (1 of 4 stars; one submission).

Submission:

GeneDx
Classification: Uncertain significance. Last evaluated: 2026-03-05. Review status: criteria provided, single submitter. Criteria: GeneDx Variant Classification Process June 2021. Collection method: clinical testing. Allele origin: germline.
Comment: Not observed at significant frequency in large population cohorts (gnomAD); In silico analysis supports that this missense variant has a deleterious effect on protein structure/function; Has not been previously published as pathogenic or benign to our knowledge

NM_000069.3(CACNA1S):c.4582C>G (p.Leu1528Val)

Gene: CACNA1S (calcium voltage-gated channel subunit alpha1 S; minus strand). Cytogenetic location: 1q32.1.
Variant type: single nucleotide variant.
Coding change: c.4582C>G on transcript NM_000069.3 (MANE Select); coding-DNA position 4582, C replaced by G.
Protein change: p.Leu1528Val; replaces leucine 1528 with valine.
Molecular consequence: missense variant.
Genome position (GRCh38, 1-based): chr1:201,047,201, G>C on the plus strand (C>G on the coding strand, the complement: CACNA1S is on the minus strand). VCF-style: chr1-201047201-G-C. GRCh37 (hg19) VCF-style: chr1-201016329-G-C.
Other names: short protein forms L1528V.
Identifiers: ClinVar variation 5008304 (VCV005008304.1).
Genomic context (GRCh38, chr1:201,047,201, plus strand): 5'-GCCGATAGCCATAATACTCCTCTTGGCGTTTCATGAACTTCCGGAAGTGCTCCTGGATGA[G>C]GAATGTGGCGTAGAACTTCCCCACTGTCACCTCATCATCTGCAGAGGAGCCAACAAGAGA-3'
Protein context (NP_000060.2, residues 1518-1538): VTVGKFYATF[Leu1528Val]IQEHFRKFMK